The following is an entry in ClinVar:

NM_199420.4(POLQ):c.4343G>T (p.Gly1448Val)

Gene: POLQ (DNA polymerase theta; minus strand). Cytogenetic location: 3q13.33.
Variant type: single nucleotide variant.
Coding change: c.4343G>T on transcript NM_199420.4 (MANE Select); coding-DNA position 4343, G replaced by T.
Protein change: p.Gly1448Val; replaces glycine 1448 with valine.
Molecular consequence: missense variant.
Genome position (GRCh38, 1-based): chr3:121,488,588, C>A on the plus strand (G>T on the coding strand, the complement: POLQ is on the minus strand). VCF-style: chr3-121488588-C-A. GRCh37 (hg19) VCF-style: chr3-121207435-C-A.
Other names: short protein forms G1448V.
Identifiers: ClinVar variation 1739874 (VCV001739874.2), dbSNP rs745634142, ClinGen allele CA2562909.

ClinVar aggregate classification (germline): Uncertain significance (1 of 4 stars; one submission).

Allele frequency attached by ClinVar (database versions not stated): ExAC 0.00002.

Submission:

Ambry Genetics
Classification: Uncertain significance. Last evaluated: 2021-11-16. Review status: criteria provided, single submitter. Criteria: Ambry Variant Classification Scheme 2023. Collection method: clinical testing. Allele origin: germline.
Comment: The p.G1448V variant (also known as c.4343G>T), located in coding exon 16 of the POLQ gene, results from a G to T substitution at nucleotide position 4343. The glycine at codon 1448 is replaced by valine, an amino acid with dissimilar properties. This amino acid position is conserved. In addition, this alteration is predicted to be tolerated by in silico analysis. Since supporting evidence is limited at this time, the clinical significance of this alteration remains unclear.